The following is an entry in ClinVar:

NM_005413.4(SIX3):c.26T>C (p.Leu9Pro)

Gene: SIX3 (SIX homeobox 3; plus strand). Cytogenetic location: 2p21.
Variant type: single nucleotide variant.
Coding change: c.26T>C on transcript NM_005413.4 (MANE Select); coding-DNA position 26, T replaced by C.
Protein change: p.Leu9Pro; replaces leucine 9 with proline.
Molecular consequence: missense variant.
Genome position (GRCh38, 1-based): chr2:44,942,130, T>C. VCF-style: chr2-44942130-T-C. GRCh37 (hg19) VCF-style: chr2-45169269-T-C.
Other names: short protein forms L9P.
Identifiers: ClinVar variation 5029572 (VCV005029572.1).

ClinVar aggregate classification (germline): Uncertain significance (1 of 4 stars; one submission).

Conditions:
Inborn genetic diseases. Identifiers: MedGen C0950123, MeSH D030342.

gnomAD v4.1: 5 of 1,596,402 alleles (0.00031%); highest among the groups gnomAD compares: East Asian, 0.011%; no homozygotes.

Submission:

Ambry Genetics
Classification: Uncertain significance for Inborn genetic diseases. Last evaluated: 2026-08-03. Review status: criteria provided, single submitter. Criteria: Ambry Variant Classification Scheme 2023. Collection method: clinical testing. Allele origin: germline.
Comment: The c.26T>C (p.L9P) alteration is located in exon 1 (coding exon 1) of the SIX3 gene. This alteration results from a T to C substitution at nucleotide position 26, causing the leucine (L) at amino acid position 9 to be replaced by a proline (P). Based on data from gnomAD, the C allele has an overall frequency of <0.001% (1/234536) total alleles studied. The highest observed frequency was 0.006% (1/17684) of East Asian alleles. Based on insufficient or conflicting evidence, the clinical significance of this alteration remains unclear.